The following is an entry in ClinVar:

ClinVar aggregate classification (germline): Benign/Likely benign. Review status: criteria provided, multiple submitters, no conflicts (2 of 4 stars). 6 submissions from 5 submitters: Benign (5); Likely benign (1). Last evaluated 2026-01-29.

Conditions:
Acute intermittent porphyria (AIP). Also called: HMBS deficiency; Hydroxymethylbilane Synthase Deficiency; Acute intermittent porphyria (autosomal dominant); PBGD DEFICIENCY; PORPHOBILINOGEN DEAMINASE DEFICIENCY; PORPHYRIA, SWEDISH TYPE. Identifiers: Orphanet 79276, MedGen C0162565, MONDO:0008294, OMIM 176000.
Protoporphyria, erythropoietic, 1 (EPP1). Also called: Erythropoietic Protoporphyria, Autosomal Recessive; FERROCHELATASE DEFICIENCY; HEME SYNTHETASE DEFICIENCY. Identifiers: Orphanet 79278, MedGen C4692546, MONDO:0008319, OMIM 177000.

Allele frequency attached by ClinVar (database versions not stated): gnomAD 0.00115; 1000 Genomes Project 0.00240; gnomAD exomes 0.00136 and 0.00666; 1000 Genomes Project 30x 0.00281; ExAC 0.00646; TOPMed 0.00329.

Submissions (6):

Labcorp Genetics (formerly Invitae), Labcorp
Classification: Benign. Last evaluated: 2026-01-29. Review status: criteria provided, single submitter. Criteria: Invitae Variant Classification Sherloc (09022015). Collection method: clinical testing. Allele origin: germline.

CeGaT Center for Human Genetics Tuebingen
Classification: Benign. Last evaluated: 2026-01-01. Review status: criteria provided, single submitter. Criteria: CeGaT Center For Human Genetics Tuebingen Variant Classification Criteria Version 2. Collection method: clinical testing. Allele origin: germline. Affected: yes. Observed: 4 variant alleles.
Comment: ABCB6: BS1, BS2

Mayo Clinic Laboratories, Mayo Clinic
Classification: Likely benign. Last evaluated: 2025-08-06. Review status: criteria provided, single submitter. Criteria: ACMG Guidelines, 2015. Collection method: clinical testing. Allele origin: germline. Observed: 7 variant alleles.
Comment: BS1, BS2

Phillips Lab,  Hematology, University of Utah
Classification: Benign for Acute intermittent porphyria. Last evaluated: 2021-08-16. Review status: criteria provided, single submitter. Criteria: Submitter’s Publication. Collection method: clinical testing. Allele origin: unknown. Affected: yes.

Phillips Lab,  Hematology, University of Utah
Classification: Benign for Protoporphyria, erythropoietic, 1. Last evaluated: 2021-08-16. Review status: criteria provided, single submitter. Criteria: Submitter’s Publication. Collection method: clinical testing. Allele origin: unknown. Affected: yes.

Breakthrough Genomics
Classification: Benign. Review status: criteria provided, single submitter. Criteria: ACMG Guidelines, 2015. Collection method: not provided. Allele origin: germline. Inheritance: Autosomal dominant inheritance. Affected: yes.

NM_005689.4(ABCB6):c.739C>T (p.Arg247Cys)

Gene: ABCB6 (ATP binding cassette subfamily B member 6 (LAN blood group); minus strand). Cytogenetic location: 2q35.
Variant type: single nucleotide variant.
Coding change: c.739C>T on transcript NM_005689.4 (MANE Select); coding-DNA position 739, C replaced by T.
Protein change: p.Arg247Cys; replaces arginine 247 with cysteine.
Molecular consequence: missense variant.
Genome position (GRCh38, 1-based): chr2:219,216,781, G>A on the plus strand (C>T on the coding strand, the complement: ABCB6 is on the minus strand). VCF-style: chr2-219216781-G-A. GRCh37 (hg19) VCF-style: chr2-220081503-G-A.
Other names: p.Arg247Cys; c.601C>T, p.Arg201Cys (NM_001349828.2); short protein forms R247C, R201C.
Identifiers: ClinVar variation 769588 (VCV000769588.20), dbSNP rs190528998, ClinGen allele CA2119653.